The following is an entry in ClinVar:

ClinVar aggregate classification (germline): Uncertain significance (1 of 4 stars; one submission).

Allele frequency attached by ClinVar (database versions not stated): ExAC 0.00001.

Submission:

Labcorp Genetics (formerly Invitae), Labcorp
Classification: Uncertain significance. Last evaluated: 2023-12-11. Review status: criteria provided, single submitter. Criteria: Invitae Variant Classification Sherloc (09022015). Collection method: clinical testing. Allele origin: germline.
Comment: This sequence change falls in intron 2 of the NDUFS2 gene. It does not directly change the encoded amino acid sequence of the NDUFS2 protein. This variant is present in population databases (rs776921827, gnomAD 0.003%). This variant has not been reported in the literature in individuals affected with NDUFS2-related conditions. ClinVar contains an entry for this variant (Variation ID: 1975520). Algorithms developed to predict the effect of sequence changes on RNA splicing suggest that this variant may disrupt the consensus splice site. In summary, the available evidence is currently insufficient to determine the role of this variant in disease. Therefore, it has been classified as a Variant of Uncertain Significance.

NM_001377299.1(NDUFS2):c.96-17T>G

Gene: NDUFS2 (NADH:ubiquinone oxidoreductase core subunit S2; plus strand). Cytogenetic location: 1q23.3.
Variant type: single nucleotide variant.
Coding change: c.96-17T>G on transcript NM_001377299.1 (MANE Select); 17 bases into the intron before coding-DNA position 96, T replaced by G.
Molecular consequence: intron variant.
Genome position (GRCh38, 1-based): chr1:161,203,420, T>G. VCF-style: chr1-161203420-T-G. GRCh37 (hg19) VCF-style: chr1-161173210-T-G.
Other names: c.96-17T>G (NM_001377300.1, NM_001377298.1, NM_001377301.1 and 3 more transcripts).
Identifiers: ClinVar variation 1975520 (VCV001975520.5), dbSNP rs776921827, ClinGen allele CA1208483.